The following is an entry in ClinVar:

ClinVar aggregate classification (germline): Uncertain significance. Review status: criteria provided, multiple submitters, no conflicts (2 of 4 stars). 2 submissions from 2 submitters: Uncertain significance (2). Last evaluated 2023-09-17.

Conditions:
Charcot-Marie-Tooth disease type 2. Also called: Charcot-Marie-Tooth type 2. Identifiers: Orphanet 64746, MedGen C0270914, MONDO:0018993.
Primary dilated cardiomyopathy (DCM). Also called: Dilated Cardiomyopathy. Identifiers: Orphanet 217604, MedGen C0007193, MeSH D002311, MONDO:0005021, HP:0001644. Inheritance: Various modes of inheritance.

Allele frequency attached by ClinVar (database versions not stated): gnomAD exomes 0.00001.
gnomAD v4.1: 4 of 1,613,784 alleles (0.00025%); highest among the groups gnomAD compares: South Asian, 0.0011%; no homozygotes.

Submissions (2):

All of Us Research Program, National Institutes of Health
Classification: Uncertain significance for Primary dilated cardiomyopathy. Last evaluated: 2023-09-17. Review status: criteria provided, single submitter. Criteria: ACMG Guidelines, 2015. Collection method: clinical testing. Allele origin: germline. Inheritance: Autosomal dominant inheritance. Observed: 1 variant allele, 1 heterozygote.
Comment: This missense variant replaces threonine with alanine at codon 333 of the LMNA protein. Computational prediction suggests that this variant may not impact protein structure and function (internally defined REVEL score threshold <= 0.5, PMID: 27666373). To our knowledge, functional studies have not been reported for this variant. This variant has not been reported in individuals affected with LMNA-related disorders in the literature. This variant has been identified in 2/249806 chromosomes in the general population by the Genome Aggregation Database (gnomAD). The available evidence is insufficient to determine the role of this variant in disease conclusively. Therefore, this variant is classified as a Variant of Uncertain Significance.

This study involves interpretation of variants in research participants for the purpose of population health screening. Participant phenotype was not available at the time of variant classification. Additional details can be found in publication PMID: 35346344, PMCID: PMC8962531

Labcorp Genetics (formerly Invitae), Labcorp
Classification: Uncertain significance for Charcot-Marie-Tooth disease type 2. Last evaluated: 2021-09-15. Review status: criteria provided, single submitter. Criteria: Invitae Variant Classification Sherloc (09022015). Collection method: clinical testing. Allele origin: germline.
Comment: Algorithms developed to predict the effect of missense changes on protein structure and function are either unavailable or do not agree on the potential impact of this missense change (SIFT: "Deleterious"; PolyPhen-2: "Benign"; Align-GVGD: "Class C0"). This sequence change replaces threonine with alanine at codon 333 of the LMNA protein (p.Thr333Ala). The threonine residue is highly conserved and there is a small physicochemical difference between threonine and alanine. This variant is not present in population databases (ExAC no frequency). This variant has not been reported in the literature in individuals affected with LMNA-related conditions. In summary, the available evidence is currently insufficient to determine the role of this variant in disease. Therefore, it has been classified as a Variant of Uncertain Significance.

NM_170707.4(LMNA):c.997A>G (p.Thr333Ala)

Gene: LMNA (lamin A/C; plus strand). Cytogenetic location: 1q22.
Variant type: single nucleotide variant.
Coding change: c.997A>G on transcript NM_170707.4 (MANE Select); coding-DNA position 997, A replaced by G.
Protein change: p.Thr333Ala; replaces threonine 333 with alanine.
Molecular consequence: missense variant.
Genome position (GRCh38, 1-based): chr1:156,135,961, A>G. VCF-style: chr1-156135961-A-G. GRCh37 (hg19) VCF-style: chr1-156105752-A-G.
Other names: c.661A>G, p.Thr221Ala (NM_001257374.3); c.754A>G, p.Thr252Ala (NM_001282624.2); c.997A>G, p.Thr333Ala (NM_001282625.2, NM_001282626.2, NM_005572.4 and 1 more transcripts); short protein forms T333A, T252A, T221A.
Identifiers: ClinVar variation 1359130 (VCV001359130.7), dbSNP rs1308777587, ClinGen allele CA342820166.